The following is an entry in ClinVar:

ClinVar aggregate classification (germline): Uncertain significance. Review status: criteria provided, multiple submitters, no conflicts (2 of 4 stars). 5 submissions from 5 submitters: Uncertain significance (5). Last evaluated 2025-10-08.

Conditions:
Autosomal recessive ataxia, Beauce type. Also called: Spinocerebellar ataxia, autosomal recessive 8; ATAXIA, RECESSIVE, OF BEAUCE; SYNE1 Deficiency; SYNE1-Related Autosomal Recessive Cerebellar Ataxia. Identifiers: Orphanet 88644, MedGen C1853116, MONDO:0012549, OMIM 610743.
Emery-Dreifuss muscular dystrophy 4, autosomal dominant (EDMD4). Also called: EMERY-DREIFUSS MUSCULAR DYSTROPHY 4 WITH VARIABLE FEATURES. Identifiers: Orphanet 261, MedGen C2751807, MONDO:0013071, OMIM 612998.

gnomAD v4.1: 30 of 1,614,048 alleles (0.0019%); highest among the groups gnomAD compares: East Asian, 0.06%; no homozygotes.

Submissions (5):

Women's Health and Genetics/Laboratory Corporation of America, LabCorp
Classification: Uncertain significance. Last evaluated: 2025-10-08. Review status: criteria provided, single submitter. Criteria: LabCorp Variant Classification Summary - May 2015. Collection method: clinical testing. Allele origin: germline.
Comment: Variant summary: SYNE1 c.18467G>T (p.Arg6156Leu) results in a non-conservative amino acid change in the encoded protein sequence. Algorithms developed to predict the effect of missense changes on protein structure and function are either unavailable or do not agree on the potential impact of this missense change. The variant allele was found at a frequency of 1.2e-05 in 251436 control chromosomes. The available data on variant occurrences in the general population are insufficient to allow any conclusion about variant significance. c.18467G>T has been observed in a compound heterozygous individual affected with Autosomal recessive ataxia, Beauce type (Duan_2021). These data do not allow any conclusion about variant significance. To our knowledge, no experimental evidence demonstrating an impact on protein function has been reported. The following publication have been ascertained in the context of this evaluation (PMID: 32889669). ClinVar contains an entry for this variant (Variation ID: 290593). Based on the evidence outlined above, the variant was classified as uncertain significance.

GeneDx
Classification: Uncertain significance. Last evaluated: 2025-04-29. Review status: criteria provided, single submitter. Criteria: GeneDx Variant Classification Process June 2021. Collection method: clinical testing. Allele origin: germline. Affected: yes.
Comment: Reported along with a second variant in the SYNE1 gene in trans in a patient with pure cerebellar ataxia in the published literature (PMID: 32889669); In silico analysis supports that this missense variant has a deleterious effect on protein structure/function; This variant is associated with the following publications: (PMID: 32889669)

Revvity Omics, Revvity
Classification: Uncertain significance. Last evaluated: 2025-02-03. Review status: criteria provided, single submitter. Criteria: ACMG Guidelines, 2015. Collection method: clinical testing. Allele origin: germline.

Labcorp Genetics (formerly Invitae), Labcorp
Classification: Uncertain significance for Emery-Dreifuss muscular dystrophy 4, autosomal dominant; Autosomal recessive ataxia, Beauce type. Last evaluated: 2022-10-24. Review status: criteria provided, single submitter. Criteria: Invitae Variant Classification Sherloc (09022015). Collection method: clinical testing. Allele origin: germline.
Comment: ClinVar contains an entry for this variant (Variation ID: 290593). This missense change has been observed in individual(s) with clinical features of spinocerebellar ataxia (PMID: 32889669). In at least one individual the data is consistent with being in trans (on the opposite chromosome) from a pathogenic variant. This variant is present in population databases (no rsID available, gnomAD 0.02%). This sequence change replaces arginine, which is basic and polar, with leucine, which is neutral and non-polar, at codon 6156 of the SYNE1 protein (p.Arg6156Leu). Algorithms developed to predict the effect of missense changes on protein structure and function are either unavailable or do not agree on the potential impact of this missense change (SIFT: "Deleterious"; PolyPhen-2: "Benign"; Align-GVGD: "Class C25"). In summary, the available evidence is currently insufficient to determine the role of this variant in disease. Therefore, it has been classified as a Variant of Uncertain Significance.

Eurofins Ntd Llc (ga)
Classification: Uncertain significance. Last evaluated: 2016-08-18. Review status: criteria provided, single submitter. Criteria: EGL Classification Definitions 2015. Collection method: clinical testing. Allele origin: germline. Observed: 1 variant allele, 1 heterozygote.

Literature cited by the submitters: PubMed 32889669 (cited by Women's Health and Genetics/Laboratory Corporation of America, LabCorp and Labcorp Genetics (formerly Invitae), Labcorp).

NM_182961.4(SYNE1):c.18680G>T (p.Arg6227Leu)

Gene: SYNE1 (spectrin repeat containing nuclear envelope protein 1; minus strand). Cytogenetic location: 6q25.2.
Variant type: single nucleotide variant.
Coding change: c.18680G>T on transcript NM_182961.4 (MANE Select); coding-DNA position 18680, G replaced by T.
Protein change: p.Arg6227Leu; replaces arginine 6227 with leucine.
Molecular consequence: missense variant.
Genome position (GRCh38, 1-based): chr6:152,269,180, C>A on the plus strand (G>T on the coding strand, the complement: SYNE1 is on the minus strand). VCF-style: chr6-152269180-C-A. GRCh37 (hg19) VCF-style: chr6-152590315-C-A.
Other names: c.18467G>T, p.Arg6156Leu (NM_033071.5); short protein forms R6156L, R6227L.
Identifiers: ClinVar variation 290593 (VCV000290593.16), dbSNP rs778929049, ClinGen allele CA10606833.